The following is an entry in ClinVar:

NM_003072.5(SMARCA4):c.946C>T (p.Pro316Ser)

Gene: SMARCA4 (SWI/SNF related BAF chromatin remodeling complex subunit ATPase 4; plus strand). Cytogenetic location: 19p13.2.
Variant type: single nucleotide variant.
Coding change: c.946C>T on transcript NM_003072.5 (MANE Select); coding-DNA position 946, C replaced by T.
Protein change: p.Pro316Ser; replaces proline 316 with serine.
Molecular consequence: missense variant. On other transcripts: non-coding transcript variant (1).
Genome position (GRCh38, 1-based): chr19:10,987,752, C>T. VCF-style: chr19-10987752-C-T. GRCh37 (hg19) VCF-style: chr19-11098428-C-T.
Other names: c.946C>T, p.Pro316Ser (NM_001128844.3, NM_001128845.2, NM_001128846.2 and 6 more transcripts); short protein forms P316S.
Identifiers: ClinVar variation 4802544 (VCV004802544.1).

ClinVar aggregate classification (germline): Uncertain significance (1 of 4 stars; one submission).

Conditions:
Rhabdoid tumor predisposition syndrome 2 (RTPS2). Identifiers: Orphanet 231108, Orphanet 69077, MedGen C2750074, MONDO:0013224, OMIM 613325.

Submission:

Labcorp Genetics (formerly Invitae), Labcorp
Classification: Uncertain significance for Rhabdoid tumor predisposition syndrome 2. Last evaluated: 2025-11-10. Review status: criteria provided, single submitter. Criteria: Invitae Variant Classification Sherloc (09022015). Collection method: clinical testing. Allele origin: germline.
Comment: This sequence change replaces proline, which is neutral and non-polar, with serine, which is neutral and polar, at codon 316 of the SMARCA4 protein (p.Pro316Ser). This variant is not present in population databases (gnomAD no frequency). This variant has not been reported in the literature in individuals affected with SMARCA4-related conditions. Invitae Evidence Modeling of protein sequence and biophysical properties (such as structural, functional, and spatial information, amino acid conservation, physicochemical variation, residue mobility, and thermodynamic stability) has been performed for this missense variant. However, the output from this modeling did not meet the statistical confidence thresholds required to predict the impact of this variant on SMARCA4 protein function. In summary, the available evidence is currently insufficient to determine the role of this variant in disease. Therefore, it has been classified as a Variant of Uncertain Significance.